The following is an entry in ClinVar:

ClinVar aggregate classification (germline): Uncertain significance (1 of 4 stars; one submission).

Conditions:
Branchiootic syndrome 3 (BOS3). Also called: BO SYNDROME 3. Identifiers: MedGen C1842124, MONDO:0012025, OMIM 608389.
Autosomal dominant nonsyndromic hearing loss 23. Identifiers: Orphanet 90635, MedGen C1854594, MONDO:0011519, OMIM 605192.

Submission:

Labcorp Genetics (formerly Invitae), Labcorp
Classification: Uncertain significance for Autosomal dominant nonsyndromic hearing loss 23; Branchiootic syndrome 3. Last evaluated: 2025-02-26. Review status: criteria provided, single submitter. Criteria: Invitae Variant Classification Sherloc (09022015). Collection method: clinical testing. Allele origin: germline.
Comment: This sequence change replaces arginine, which is basic and polar, with glycine, which is neutral and non-polar, at codon 136 of the SIX1 protein (p.Arg136Gly). This variant is not present in population databases (gnomAD no frequency). This variant has not been reported in the literature in individuals affected with SIX1-related conditions. Invitae Evidence Modeling of protein sequence and biophysical properties (such as structural, functional, and spatial information, amino acid conservation, physicochemical variation, residue mobility, and thermodynamic stability) indicates that this missense variant is expected to disrupt SIX1 protein function with a positive predictive value of 80%. In summary, the available evidence is currently insufficient to determine the role of this variant in disease. Therefore, it has been classified as a Variant of Uncertain Significance.

NM_005982.4(SIX1):c.406A>G (p.Arg136Gly)

Gene: SIX1 (SIX homeobox 1; minus strand). Cytogenetic location: 14q23.1.
Variant type: single nucleotide variant.
Coding change: c.406A>G on transcript NM_005982.4 (MANE Select); coding-DNA position 406, A replaced by G.
Protein change: p.Arg136Gly; replaces arginine 136 with glycine.
Molecular consequence: missense variant.
Genome position (GRCh38, 1-based): chr14:60,648,784, T>C on the plus strand (A>G on the coding strand, the complement: SIX1 is on the minus strand). VCF-style: chr14-60648784-T-C. GRCh37 (hg19) VCF-style: chr14-61115502-T-C.
Other names: c.406A>G, p.Arg136Gly (NM_001425142.1); short protein forms R136G.
Identifiers: ClinVar variation 4782753 (VCV004782753.1).